The following is an entry in ClinVar:

ClinVar aggregate classification (germline): Benign/Likely benign. Review status: criteria provided, multiple submitters, no conflicts (2 of 4 stars). 3 submissions from 3 submitters: Benign (1); Likely benign (1). 1 of the submissions does not count toward it. Last evaluated 2026-01-25.

Conditions:
FPR1-related disorder. Also called: FPR1-related condition.
Gingival disorder. Also called: Gingival disease. Identifiers: MedGen C0017563, MONDO:0002021.

Allele frequency attached by ClinVar (database versions not stated): gnomAD exomes 0.00047 and 0.00102; ExAC 0.00125; gnomAD 0.00349 and 0.00377; 1000 Genomes Project 30x 0.00359; 1000 Genomes Project 0.00399; TOPMed 0.00417; ESP Exome Variant Server 0.00461.
gnomAD v4.1: 1,248 of 1,614,112 alleles (0.077%); highest among the groups gnomAD compares: African/African-American, 1.3%; 3 homozygotes.

Submissions (3):

Labcorp Genetics (formerly Invitae), Labcorp
Classification: Benign for Gingival disorder. Last evaluated: 2026-01-25. Review status: criteria provided, single submitter. Criteria: Invitae Variant Classification Sherloc (09022015). Collection method: clinical testing. Allele origin: germline.

Blueprint Genetics
Classification: Likely benign. Last evaluated: 2024-08-28. Review status: criteria provided, single submitter. Criteria: ACMG Guidelines, 2015. Collection method: clinical testing. Allele origin: germline.

PreventionGenetics, part of Exact Sciences
Classification: Benign for FPR1-related condition. Last evaluated: 2024-02-01. Review status: no assertion criteria provided. Collection method: clinical testing. Allele origin: germline. Not counted in ClinVar's aggregate classification.
Comment: This variant is classified as benign based on ACMG/AMP sequence variant interpretation guidelines (Richards et al. 2015 PMID: 25741868, with internal and published modifications).

NM_002029.4(FPR1):c.806G>A (p.Arg269His)

Gene: FPR1 (formyl peptide receptor 1; minus strand). Cytogenetic location: 19q13.41.
Variant type: single nucleotide variant.
Coding change: c.806G>A on transcript NM_002029.4 (MANE Select); coding-DNA position 806, G replaced by A.
Protein change: p.Arg269His; replaces arginine 269 with histidine.
Molecular consequence: missense variant.
Genome position (GRCh38, 1-based): chr19:51,746,189, C>T on the plus strand (G>A on the coding strand, the complement: FPR1 is on the minus strand). VCF-style: chr19-51746189-C-T. GRCh37 (hg19) VCF-style: chr19-52249442-C-T.
Other names: c.806G>A, p.Arg269His (NM_001193306.2); short protein forms R269H.
Identifiers: ClinVar variation 526511 (VCV000526511.16), dbSNP rs142210016, ClinGen allele CA9616384.
Genomic context (GRCh38, chr19:51,746,189, plus strand): 5'-AGGGCACTTGTCACATCCACTGCAATACCAATTTCTTTGTACATGCCTTGCAATAACTCA[C>T]GGATTCTGACTGTGGCTATAAGGGCCACCACCTGATATGGGGACCAGCAGAGAAAAAAGG-3'
Protein context (NP_002020.1, residues 259-279): VVALIATVRI[Arg269His]ELLQGMYKEI